The following is an entry in ClinVar:

ClinVar aggregate classification (germline): Uncertain significance. Review status: criteria provided, multiple submitters, no conflicts (2 of 4 stars). 3 submissions from 3 submitters: Uncertain significance (3). Last evaluated 2026-05-26.

Conditions:
BRCA1-related cancer predisposition. Identifiers: MedGen CN377757, MONDO:0700268.
Hereditary breast ovarian cancer syndrome. Also called: Hereditary breast and ovarian cancer; Hereditary breast and ovarian cancer syndrome (HBOC); Hereditary breast and ovarian cancer syndrome; Breast and ovarian cancer; Hereditary breast and/or ovarian cancer syndrome; BRCA1- and BRCA2-Associated Hereditary Breast and Ovarian Cancer. Identifiers: Orphanet 145, MedGen C0677776, MeSH D061325, MONDO:0003582. Disease mechanism: loss of function.
Hereditary cancer-predisposing syndrome. Also called: Tumor predisposition; Hereditary Cancer Syndrome; Neoplastic Syndromes, Hereditary; Hereditary neoplastic syndrome. Identifiers: Orphanet 140162, MedGen C0027672, MeSH D009386, MONDO:0015356.

Allele frequency attached by ClinVar (database versions not stated): gnomAD exomes below 0.00001.
gnomAD v4.1: 2 of 1,614,186 alleles (0.00012%); highest among the groups gnomAD compares: South Asian, 0.0022%; no homozygotes.

Submissions (3):

Ambry Genetics
Classification: Uncertain significance for Hereditary cancer-predisposing syndrome. Last evaluated: 2026-05-26. Review status: criteria provided, single submitter. Criteria: Ambry Variant Classification Scheme 2023. Collection method: clinical testing. Allele origin: germline.
Comment: The p.A1599T variant (also known as c.4795G>A), located in coding exon 14 of the BRCA1 gene, results from a G to A substitution at nucleotide position 4795. The alanine at codon 1599 is replaced by threonine, an amino acid with similar properties. This amino acid position is not well conserved in available vertebrate species, and threonine is the reference amino acid in other vertebrate species. In addition, the in silico prediction for this alteration is inconclusive. Based on the available evidence, the clinical significance of this variant remains unclear.

All of Us Research Program, National Institutes of Health
Classification: Uncertain significance for BRCA1-related cancer predisposition. Last evaluated: 2024-03-05. Review status: criteria provided, single submitter. Criteria: ACMG Guidelines, 2015. Collection method: clinical testing. Allele origin: germline. Inheritance: Autosomal dominant inheritance. Observed: 1 variant allele, 1 heterozygote.
Comment: This study involves interpretation of variants in research participants for the purpose of population health screening. Participant phenotype was not available at the time of variant classification. Additional details can be found in publication PMID: 35346344, PMCID: PMC8962531

Labcorp Genetics (formerly Invitae), Labcorp
Classification: Uncertain significance for Hereditary breast ovarian cancer syndrome. Last evaluated: 2023-12-25. Review status: criteria provided, single submitter. Criteria: Invitae Variant Classification Sherloc (09022015). Collection method: clinical testing. Allele origin: germline.
Comment: This sequence change replaces alanine, which is neutral and non-polar, with threonine, which is neutral and polar, at codon 1599 of the BRCA1 protein (p.Ala1599Thr). This variant is not present in population databases (gnomAD no frequency). This variant has not been reported in the literature in individuals affected with BRCA1-related conditions. ClinVar contains an entry for this variant (Variation ID: 663314). Advanced modeling of protein sequence and biophysical properties (such as structural, functional, and spatial information, amino acid conservation, physicochemical variation, residue mobility, and thermodynamic stability) performed at Invitae indicates that this missense variant is not expected to disrupt BRCA1 protein function with a negative predictive value of 95%. In summary, the available evidence is currently insufficient to determine the role of this variant in disease. Therefore, it has been classified as a Variant of Uncertain Significance.

NM_007294.4(BRCA1):c.4795G>A (p.Ala1599Thr)

Gene: BRCA1 (BRCA1 DNA repair associated; minus strand). Cytogenetic location: 17q21.31.
Variant type: single nucleotide variant.
Coding change: c.4795G>A on transcript NM_007294.4 (MANE Select); coding-DNA position 4795, G replaced by A.
Protein change: p.Ala1599Thr; replaces alanine 1599 with threonine.
Molecular consequence: missense variant. On other transcripts: non-coding transcript variant (1).
Genome position (GRCh38, 1-based): chr17:43,071,119, C>T on the plus strand (G>A on the coding strand, the complement: BRCA1 is on the minus strand). VCF-style: chr17-43071119-C-T. GRCh37 (hg19) VCF-style: chr17-41223136-C-T.
Other names: c.4582G>A, p.Ala1528Thr (NM_001407571.1, NM_001407902.1, NM_001407904.1 and 12 more transcripts); c.4861G>A, p.Ala1621Thr (NM_001407581.1, NM_001407582.1); c.4858G>A, p.Ala1620Thr (NM_001407583.1, NM_001407585.1, NM_001407587.1 and 1 more transcripts); c.4855G>A, p.Ala1619Thr (NM_001407590.1, NM_001407591.1); c.4795G>A, p.Ala1599Thr (NM_001407593.1, NM_001407594.1, NM_001407596.1 and 8 more transcripts); c.4792G>A, p.Ala1598Thr (NM_001407610.1, NM_001407611.1, NM_001407612.1 and 17 more transcripts); c.4789G>A, p.Ala1597Thr (NM_001407630.1, NM_001407631.1, NM_001407632.1 and 14 more transcripts); c.4717G>A, p.Ala1573Thr (NM_001407653.1, NM_001407654.1, NM_001407655.1); and 70 more; short protein forms A495T, A1599T, A1552T, A1620T, A1471T, A1488T, A1511T, A1530T.
Identifiers: ClinVar variation 663314 (VCV000663314.12), dbSNP rs1597831380, ClinGen allele CA10591931.
Genomic context (GRCh38, chr17:43,071,119, plus strand): 5'-TATGAGCAGCAGCTGGACTCTGGGCAGATTCTGCAACTTTCAATTGGGGAACTTTCAATG[C>T]AGAGGTTGAAGATGGTATGTTGCCAACACGAGCTGACTCTGGGGCTCTGTCTTCAGAAGG-3'
Protein context (NP_009225.1, residues 1589-1609): RVGNIPSSTS[Ala1599Thr]LKVPQLKVAE